The following is an entry in ClinVar:

ClinVar aggregate classification (germline): Uncertain significance. Review status: criteria provided, multiple submitters, no conflicts (2 of 4 stars). 4 submissions from 4 submitters: Uncertain significance (4). Last evaluated 2026-06-25.

Conditions:
CEP250-related disorder. Also called: CEP250-related condition.

Allele frequency attached by ClinVar (database versions not stated): gnomAD 0.00006.
gnomAD v4.1: 25 of 1,611,132 alleles (0.0016%); highest among the groups gnomAD compares: African/African-American, 0.031%; no homozygotes.

Submissions (4):

PreventionGenetics, part of Exact Sciences
Classification: Uncertain significance for CEP250-related condition. Last evaluated: 2026-06-25. Review status: criteria provided, single submitter. Criteria: ACMG Guidelines, 2015. Collection method: clinical testing. Allele origin: germline.
Comment: The CEP250 c.1394G>T variant is predicted to result in the amino acid substitution p.Arg465Leu. To our knowledge, this variant has not been reported in the literature. This variant is reported in 0.033% of alleles in individuals of African descent in gnomAD. At this time, the clinical significance of this variant is uncertain due to the absence of conclusive functional and genetic evidence.

Ambry Genetics
Classification: Uncertain significance. Last evaluated: 2025-06-03. Review status: criteria provided, single submitter. Criteria: Ambry Variant Classification Scheme 2023. Collection method: clinical testing. Allele origin: germline.

Blueprint Genetics
Classification: Uncertain significance. Last evaluated: 2022-12-01. Review status: criteria provided, single submitter. Criteria: ACMG Guidelines, 2015. Collection method: clinical testing. Allele origin: germline.

Labcorp Genetics (formerly Invitae), Labcorp
Classification: Uncertain significance. Last evaluated: 2022-09-06. Review status: criteria provided, single submitter. Criteria: Invitae Variant Classification Sherloc (09022015). Collection method: clinical testing. Allele origin: germline.
Comment: This sequence change replaces arginine, which is basic and polar, with leucine, which is neutral and non-polar, at codon 465 of the CEP250 protein (p.Arg465Leu). This variant is present in population databases (rs765132427, gnomAD 0.03%). This variant has not been reported in the literature in individuals affected with CEP250-related conditions. ClinVar contains an entry for this variant (Variation ID: 1353223). Algorithms developed to predict the effect of missense changes on protein structure and function are either unavailable or do not agree on the potential impact of this missense change (SIFT: "Not Available"; PolyPhen-2: "Probably Damaging"; Align-GVGD: "Not Available"). In summary, the available evidence is currently insufficient to determine the role of this variant in disease. Therefore, it has been classified as a Variant of Uncertain Significance.

NM_007186.6(CEP250):c.1394G>T (p.Arg465Leu)

Genes: CEP250 (centrosomal protein 250; plus strand), CEP250-AS1 (CEP250 antisense RNA 1; minus strand). Cytogenetic location: 20q11.22.
Variant type: single nucleotide variant.
Coding change: c.1394G>T on transcript NM_007186.6 (MANE Select); coding-DNA position 1394, G replaced by T.
Protein change: p.Arg465Leu; replaces arginine 465 with leucine.
Molecular consequence: missense variant. On other transcripts: 5 prime UTR variant (1).
Genome position (GRCh38, 1-based): chr20:35,473,875, G>T. VCF-style: chr20-35473875-G-T. GRCh37 (hg19) VCF-style: chr20-34061700-G-T.
Other names: c.-506G>T (NM_001318219.1); c.1394G>T (NM_007186.3, NM_007186.5); short protein forms R465L.
Identifiers: ClinVar variation 1353223 (VCV001353223.8), dbSNP rs765132427, ClinGen allele CA9832921.